The following is an entry in ClinVar:

ClinVar aggregate classification (germline): Conflicting classifications of pathogenicity. Review status: criteria provided, conflicting classifications (1 of 4 stars). 6 submissions from 6 submitters: Pathogenic (2); Likely pathogenic (2); Uncertain significance (1). 1 of the submissions does not count toward it. Last evaluated 2025-06-25.

Conditions:
DNAH11-related disorder. Also called: DNAH11-related condition.
DNAH11-related disorders.
Primary ciliary dyskinesia. Also called: Ciliary dyskinesia. Identifiers: Orphanet 244, MedGen C0008780, MONDO:0016575, HP:0012265.
Primary ciliary dyskinesia 7. Also called: CILIARY DYSKINESIA, PRIMARY, 7, WITH OR WITHOUT SITUS INVERSUS. Identifiers: Orphanet 244, MedGen C2678473, MONDO:0012748, OMIM 611884.

Submissions (6):

ARUP Laboratories, Molecular Genetics and Genomics, ARUP Laboratories
Classification: Likely pathogenic for Primary ciliary dyskinesia 7. Last evaluated: 2025-06-25. Review status: criteria provided, single submitter. Criteria: ARUP Molecular Germline Variant Investigation Process 2024. Collection method: clinical testing. Allele origin: germline.
Comment: The DNAH11 c.4095+2C>A variant (rs532007878, ClinVar Variation ID: 580732) is reported in the literature as a possible founder variant in Canadian Inuit populations affected with primary ciliary dyskinesia (Hunter-Schouela 2023). This variant is absent from the Genome Aggregation Database (v2.1.1), indicating it is not a common polymorphism. This variant disrupts the canonical splice donor site of intron 22 which is likely to negatively impact gene function. Based on available information, this variant is considered to be likely pathogenic. References: Hunter-Schouela J et al. First reports of primary ciliary dyskinesia caused by a shared DNAH11 allele in Canadian Inuit. Pediatr Pulmonol. 2023 Jul;58(7):1942-1949. PMID: 37088965

Blueprint Genetics
Classification: Pathogenic for DNAH11-related disorders. Last evaluated: 2024-07-30. Review status: criteria provided, single submitter. Criteria: ACMG Guidelines, 2015. Collection method: clinical testing. Allele origin: germline. Affected: yes. Observed: 5 variant alleles.

Labcorp Genetics (formerly Invitae), Labcorp
Classification: Pathogenic for Primary ciliary dyskinesia. Last evaluated: 2022-12-29. Review status: criteria provided, single submitter. Criteria: Invitae Variant Classification Sherloc (09022015). Collection method: clinical testing. Allele origin: germline.
Comment: Algorithms developed to predict the effect of sequence changes on RNA splicing suggest that this variant may disrupt the consensus splice site. ClinVar contains an entry for this variant (Variation ID: 580732). Disruption of this splice site has been observed in individual(s) with primary ciliary dyskinesia (Invitae). This variant is not present in population databases (gnomAD no frequency). This sequence change affects a donor splice site in intron 22 of the DNAH11 gene. It is expected to disrupt RNA splicing. Variants that disrupt the donor or acceptor splice site typically lead to a loss of protein function (PMID: 16199547), and loss-of-function variants in DNAH11 are known to be pathogenic (PMID: 18022865, 20513915, 22184204). For these reasons, this variant has been classified as Pathogenic.

Ambry Genetics
Classification: Uncertain significance for Primary ciliary dyskinesia. Last evaluated: 2020-04-28. Review status: criteria provided, single submitter. Criteria: Ambry Variant Classification Scheme 2023. Collection method: clinical testing. Allele origin: germline.
Comment: The c.4095+2C>A intronic variant results from a C to A substitution two nucleotides after coding exon 22 in the DNAH11 gene. This variant was detected in the homozygous state in individuals with clinical diagnosis of primary ciliary dyskinesia (Ambry internal data). This nucleotide position is highly conserved in available vertebrate species. Using the ESEfinder splice site prediction tool, this alteration is predicted to abolish the native splice donor site; however, direct evidence is unavailable. Since supporting evidence is limited at this time, the clinical significance of this alteration remains unclear.

UNC Molecular Genetics  Laboratory, University of North Carolina at Chapel Hill
Classification: Likely pathogenic for Primary ciliary dyskinesia. Last evaluated: 2019-02-06. Review status: criteria provided, single submitter. Criteria: ACMG Guidelines, 2015. Collection method: clinical testing. Allele origin: germline. Observed: 1 homozygote.

PreventionGenetics, part of Exact Sciences
Classification: Likely pathogenic for DNAH11-related condition. Last evaluated: 2024-04-11. Review status: no assertion criteria provided. Collection method: clinical testing. Allele origin: germline. Not counted in ClinVar's aggregate classification.
Comment: The DNAH11 c.4095+2C>A variant is predicted to interfere with splicing. This variant has not been reported in the literature or in a large population database, indicating this variant is rare. Based on available splicing prediction programs, this variant is predicted to impact the canonical splice donor site of exon 22 of the DNAH11 gene and to interfere with splicing (Alamut Visual Plus v1.6.1; SpliceAI, Jaganathan et al. 2019. PubMed ID: 30661751). Aberrant splicing and subsequent loss-of-function is a known mechanism of disease for the DNAH11 gene. This variant has conflicting interpretations in ClinVar ranging from pathogenic to likely pathogenic to uncertain. Of note, this variant has been reported in ClinVar by another laboratory in the homozygous state in a patient with ciliary dyskinesia. This variant is interpreted as likely pathogenic.

Literature cited by the submitters: PubMed 16199547 (cited by Labcorp Genetics (formerly Invitae), Labcorp); PubMed 18022865 (cited by Labcorp Genetics (formerly Invitae), Labcorp); PubMed 20513915 (cited by Labcorp Genetics (formerly Invitae), Labcorp); PubMed 22184204 (cited by Labcorp Genetics (formerly Invitae), Labcorp).

NM_001277115.2(DNAH11):c.4095+2C>A

Gene: DNAH11 (dynein axonemal heavy chain 11; plus strand). Cytogenetic location: 7p15.3.
Variant type: single nucleotide variant.
Coding change: c.4095+2C>A on transcript NM_001277115.2 (MANE Select); the canonical splice donor site of the intron after coding-DNA position 4095, C replaced by A.
Molecular consequence: splice donor variant. On other transcripts: missense variant (1).
Genome position (GRCh38, 1-based): chr7:21,616,294, C>A. VCF-style: chr7-21616294-C-A. GRCh37 (hg19) VCF-style: chr7-21655912-C-A.
Other names: c.4097C>A, p.Ala1366Glu (NM_003777.3); short protein forms A1366E.
Identifiers: ClinVar variation 580732 (VCV000580732.16), dbSNP rs532007878, ClinGen allele CA366951569.